The following is an entry in ClinVar:

ClinVar aggregate classification (germline): Uncertain significance (1 of 4 stars; one submission).

Conditions:
Familial sleep-related hypermotor epilepsy. Also called: Autosomal Dominant Sleep-Related Hypermotor (Hyperkinetic) Epilepsy. Identifiers: Orphanet 98784, MedGen C3696898, MONDO:0000030.

Allele frequency attached by ClinVar (database versions not stated): gnomAD 0.00001; gnomAD exomes 0.00001 and 0.00002; ExAC 0.00003; TOPMed 0.00003.
gnomAD v4.1: 25 of 1,613,408 alleles (0.0015%); highest among the groups gnomAD compares: South Asian, 0.013%; no homozygotes.

Submission:

Labcorp Genetics (formerly Invitae), Labcorp
Classification: Uncertain significance for Familial sleep-related hypermotor epilepsy. Last evaluated: 2022-08-31. Review status: criteria provided, single submitter. Criteria: Invitae Variant Classification Sherloc (09022015). Collection method: clinical testing. Allele origin: germline.
Comment: This sequence change replaces glutamic acid, which is acidic and polar, with lysine, which is basic and polar, at codon 127 of the PRIMA1 protein (p.Glu127Lys). This variant is present in population databases (rs141491542, gnomAD 0.02%). This variant has not been reported in the literature in individuals affected with PRIMA1-related conditions. ClinVar contains an entry for this variant (Variation ID: 1445743). Algorithms developed to predict the effect of missense changes on protein structure and function are either unavailable or do not agree on the potential impact of this missense change (SIFT: "Tolerated"; PolyPhen-2: "Probably Damaging"; Align-GVGD: "Class C0"). In summary, the available evidence is currently insufficient to determine the role of this variant in disease. Therefore, it has been classified as a Variant of Uncertain Significance.

NM_178013.4(PRIMA1):c.379G>A (p.Glu127Lys)

Gene: PRIMA1 (proline rich membrane anchor 1; minus strand). Cytogenetic location: 14q32.12.
Variant type: single nucleotide variant.
Coding change: c.379G>A on transcript NM_178013.4 (MANE Select); coding-DNA position 379, G replaced by A.
Protein change: p.Glu127Lys; replaces glutamic acid 127 with lysine.
Molecular consequence: missense variant.
Genome position (GRCh38, 1-based): chr14:93,721,527, C>T on the plus strand (G>A on the coding strand, the complement: PRIMA1 is on the minus strand). VCF-style: chr14-93721527-C-T. GRCh37 (hg19) VCF-style: chr14-94187873-C-T.
Other names: short protein forms E127K.
Identifiers: ClinVar variation 1445743 (VCV001445743.3), dbSNP rs141491542, ClinGen allele CA7323010.